The following is an entry in ClinVar:

ClinVar aggregate classification (germline): Likely benign. Review status: criteria provided, single submitter (1 of 4 stars). 2 submissions from 2 submitters: Likely benign (1). 1 of the submissions does not count toward it. Last evaluated 2023-03-31.

Conditions:
DARS2-related disorder. Also called: DARS2-related condition.

Submissions (2):

Labcorp Genetics (formerly Invitae), Labcorp
Classification: Likely benign. Last evaluated: 2023-03-31. Review status: criteria provided, single submitter. Criteria: Invitae Variant Classification Sherloc (09022015). Collection method: clinical testing. Allele origin: germline.

PreventionGenetics, part of Exact Sciences
Classification: Likely benign for DARS2-related condition. Last evaluated: 2019-06-24. Review status: no assertion criteria provided. Collection method: clinical testing. Allele origin: germline. Not counted in ClinVar's aggregate classification.
Comment: This variant is classified as likely benign based on ACMG/AMP sequence variant interpretation guidelines (Richards et al. 2015 PMID: 25741868, with internal and published modifications).

NM_018122.5(DARS2):c.397-6_397-5del

Gene: DARS2 (aspartyl-tRNA synthetase 2, mitochondrial; plus strand). Cytogenetic location: 1q25.1.
Variant type: Microsatellite.
Coding change: c.397-6_397-5del on transcript NM_018122.5 (MANE Select); 6 bases into the intron before coding-DNA position 397 through 5 bases into the intron before coding-DNA position 397, 2 bases deleted (TC; older notation c.397-6_397-5delTC).
Molecular consequence: intron variant.
Genome position (GRCh38, 1-based): chr1:173,831,529-173,831,530, TC deleted; deleting any 2 consecutive bases within chr1:173,831,526-173,831,530 gives the same sequence; the c. name uses the placement nearest the transcript's 3' end. VCF-style (leftmost placement, unchanged base first): chr1-173831525-ACT-A. GRCh37 (hg19) VCF-style: chr1-173800663-ACT-A.
Other names: c.397-6_397-5delTC (NM_018122.4); c.397-6_397-5del (NM_001365212.1, NM_001365213.2).
Identifiers: ClinVar variation 2721146 (VCV002721146.5), dbSNP rs771884052, ClinGen allele CA1250129.
Genomic context (GRCh38, chr1:173,831,525, plus strand): 5'-TTCTACAAATGTGTATTTTGTGTATATCCTGATGAGTAATTTTTAAAACCCTTCCTTCTC[ACT>A]CTCCAAGAAAATGCCAACAGGTGAGATTGAAATCAAAGTTAAAACAGCTGAGCTTCTGAA-3'